The following is an entry in ClinVar:

NM_002184.4(IL6ST):c.927CTGGAGTGA[3] (p.Ser314_Glu315insAspTrpSer)

Gene: IL6ST (interleukin 6 cytokine family signal transducer; minus strand). Cytogenetic location: 5q11.2.
Variant type: Microsatellite.
Coding change: c.927CTGGAGTGA[3] on transcript NM_002184.4 (MANE Select); three copies in a row of the 9-base unit CTGGAGTGA starting at c.927; the reference has two copies in a row; one copy, 9 bases duplicated; also written c.936_944dup.
Protein change: p.Ser314_Glu315insAspTrpSer.
Molecular consequence: inframe insertion. On other transcripts: non-coding transcript variant (2).
Genome position (GRCh38, 1-based): chr5:55,960,431-55,960,439, TCACTCCAG duplicated on the plus strand (CTGGAGTGA on the coding strand, the reverse complement: IL6ST is on the minus strand); duplicating any 9 consecutive bases within chr5:55,960,431-55,960,449 gives the same sequence; the position shown is the placement nearest the transcript's 3' end. VCF-style (leftmost placement, unchanged base first): chr5-55960430-T-TTCACTCCAG. GRCh37 (hg19) VCF-style: chr5-55256258-T-TTCACTCCAG.
Other names: c.936_944dup (NM_002184.4); c.927CTGGAGTGA[3], p.Ser314_Glu315insAspTrpSer (NM_001190981.2, NM_001364275.2, NM_175767.3); c.717CTGGAGTGA[3], p.Ser244_Glu245insAspTrpSer (NM_001364276.2); c.14CTGGAGTGA[3], p.Val10_Lys11insThrGlyVal (NM_001364277.2, NM_001364279.2); c.24CTGGAGTGA[3], p.Ser13_Glu14insAspTrpSer (NM_001364278.2).
Identifiers: ClinVar variation 4891150 (VCV004891150.1).

ClinVar aggregate classification (germline): Likely pathogenic (1 of 4 stars; one submission).

Conditions:
IL6ST-related disorder. Also called: IL6ST-related condition.

Submission:

Greenwood Genetic Center Diagnostic Laboratories, Greenwood Genetic Center
Classification: Likely pathogenic for IL6ST-related disorder. Last evaluated: 2026-06-16. Review status: criteria provided, single submitter. Criteria: ACMG Guidelines, 2015. Collection method: clinical testing. Allele origin: germline. Affected: yes.
Comment: PS2, PM2, PM4